The following is an entry in ClinVar:

NM_001111125.3(IQSEC2):c.163A>G (p.Thr55Ala)

Gene: IQSEC2 (IQ motif and Sec7 domain ArfGEF 2; minus strand). Cytogenetic location: Xp11.22.
Variant type: single nucleotide variant.
Coding change: c.163A>G on transcript NM_001111125.3 (MANE Select); coding-DNA position 163, A replaced by G.
Protein change: p.Thr55Ala; replaces threonine 55 with alanine.
Molecular consequence: missense variant.
Genome position (GRCh38, 1-based): chrX:53,320,961, T>C on the plus strand (A>G on the coding strand, the complement: IQSEC2 is on the minus strand). VCF-style: chrX-53320961-T-C. GRCh37 (hg19) VCF-style: chrX-53350159-T-C.
Other names: c.163A>G, p.Thr55Ala (NM_001410736.1); short protein forms T55A.
Identifiers: ClinVar variation 2430720 (VCV002430720.1), dbSNP rs2520607928, ClinGen allele CA413239968.

ClinVar aggregate classification (germline): Uncertain significance (1 of 4 stars; one submission).

Submission:

GeneDx
Classification: Uncertain significance. Last evaluated: 2022-08-26. Review status: criteria provided, single submitter. Criteria: GeneDx Variant Classification Process June 2021. Collection method: clinical testing. Allele origin: germline. Affected: yes.
Comment: Not observed at significant frequency in large population cohorts (gnomAD); In silico analysis supports that this missense variant does not alter protein structure/function; Has not been previously published as pathogenic or benign to our knowledge